The following is an entry in ClinVar:

NM_000245.4(MET):c.2970C>T (p.Ser990=)

Gene: MET (MET proto-oncogene, receptor tyrosine kinase; plus strand). Cytogenetic location: 7q31.2.
Variant type: single nucleotide variant.
Coding change: c.2970C>T on transcript NM_000245.4 (MANE Select); coding-DNA position 2970, C replaced by T.
Protein change: p.Ser990=; no amino-acid change (serine 990 retained).
Molecular consequence: synonymous variant.
Genome position (GRCh38, 1-based): chr7:116,771,931, C>T. VCF-style: chr7-116771931-C-T. GRCh37 (hg19) VCF-style: chr7-116411985-C-T.
Other names: c.3024C>T (LRG_662t1); c.3024C>T, p.Ser1008= (NM_001127500.3); c.1680C>T, p.Ser560= (NM_001324402.2).
Identifiers: ClinVar variation 454229 (VCV000454229.15), dbSNP rs544081614, ClinGen allele CA4448618.

ClinVar aggregate classification (germline): Conflicting classifications of pathogenicity. Review status: criteria provided, conflicting classifications (1 of 4 stars). 3 submissions from 3 submitters: Uncertain significance (1); Likely benign (2). Last evaluated 2025-09-28.

Conditions:
Renal cell carcinoma. Identifiers: Orphanet 217071, MedGen C0007134, MeSH D002292, MONDO:0005086, HP:0005584.
Hereditary cancer-predisposing syndrome. Also called: Hereditary Cancer Syndrome; Hereditary neoplastic syndrome; Neoplastic Syndromes, Hereditary; Tumor predisposition. Identifiers: Orphanet 140162, MedGen C0027672, MeSH D009386, MONDO:0015356.

Allele frequency attached by ClinVar (database versions not stated): gnomAD below 0.00001 and 0.00001; TOPMed below 0.00001; gnomAD exomes 0.00001 and 0.00003; ExAC 0.00005; 1000 Genomes Project 30x 0.00016; 1000 Genomes Project 0.00020.

Submissions (3):

Labcorp Genetics (formerly Invitae), Labcorp
Classification: Likely benign for Renal cell carcinoma. Last evaluated: 2025-09-28. Review status: criteria provided, single submitter. Criteria: Invitae Variant Classification Sherloc (09022015). Collection method: clinical testing. Allele origin: germline.

Ambry Genetics
Classification: Likely benign for Hereditary cancer-predisposing syndrome. Last evaluated: 2024-07-10. Review status: criteria provided, single submitter. Criteria: Ambry Variant Classification Scheme 2023. Collection method: clinical testing. Allele origin: germline.

GeneDx
Classification: Uncertain significance. Last evaluated: 2023-05-08. Review status: criteria provided, single submitter. Criteria: GeneDx Variant Classification Process June 2021. Collection method: clinical testing. Allele origin: germline. Affected: yes.
Comment: Has not been previously published as pathogenic or benign to our knowledge; In silico analysis suggests this variant may impact gene splicing. In the absence of RNA/functional studies, the actual effect of this sequence change is unknown